The following is an entry in ClinVar:

ClinVar aggregate classification (germline): Likely benign. Review status: criteria provided, multiple submitters, no conflicts (2 of 4 stars). 3 submissions from 3 submitters: Likely benign (2). 1 of the submissions does not count toward it. Last evaluated 2025-04-01.

Conditions:
Alpha thalassemia-X-linked intellectual disability syndrome (ATRX). Also called: ATR-X syndrome; Alpha thalassemia mental retardation syndrome, nondeletion type, X-linked; XLMR hypotonic face syndrome; ALPHA-THALASSEMIA/MENTAL RETARDATION SYNDROME, X-LINKED; ATR, NONDELETION TYPE; X-linked alpha-thalassemia-mental retardation syndrome. Identifiers: Orphanet 847, MedGen C1845055, MONDO:0010519, OMIM 301040.

Allele frequency attached by ClinVar (database versions not stated): gnomAD 0.00011 and 0.00009; TOPMed 0.00011; ExAC 0.00003; gnomAD exomes 0.00002 and 0.00004; ESP Exome Variant Server 0.00019.
gnomAD v4.1: 33 of 1,210,353 alleles (0.0027%); highest among the groups gnomAD compares: African/African-American, 0.03%; no homozygotes.

Submissions (3):

CeGaT Center for Human Genetics Tuebingen
Classification: Likely benign. Last evaluated: 2025-04-01. Review status: criteria provided, single submitter. Criteria: CeGaT Center For Human Genetics Tuebingen Variant Classification Criteria Version 2. Collection method: clinical testing. Allele origin: germline. Affected: yes. Observed: 1 variant allele.
Comment: ATRX: BP4, BP7, BS2

Labcorp Genetics (formerly Invitae), Labcorp
Classification: Likely benign for Alpha thalassemia-X-linked intellectual disability syndrome. Last evaluated: 2025-03-10. Review status: criteria provided, single submitter. Criteria: Invitae Variant Classification Sherloc (09022015). Collection method: clinical testing. Allele origin: germline.

Natera, Inc.
Classification: Likely benign for X-linked alpha-thalassemia-mental retardation syndrome. Last evaluated: 2020-04-11. Review status: no assertion criteria provided. Collection method: clinical testing. Allele origin: germline. Not counted in ClinVar's aggregate classification.

NM_000489.6(ATRX):c.820T>C (p.Leu274=)

Gene: ATRX (ATRX chromatin remodeler; minus strand). Cytogenetic location: Xq21.1.
Variant type: single nucleotide variant.
Coding change: c.820T>C on transcript NM_000489.6 (MANE Select); coding-DNA position 820, T replaced by C.
Protein change: p.Leu274=; no amino-acid change (leucine 274 retained).
Molecular consequence: synonymous variant.
Genome position (GRCh38, 1-based): chrX:77,684,436, A>G on the plus strand (T>C on the coding strand, the complement: ATRX is on the minus strand). VCF-style: chrX-77684436-A-G. GRCh37 (hg19) VCF-style: chrX-76939928-A-G.
Other names: c.706T>C, p.Leu236= (NM_138270.5).
Identifiers: ClinVar variation 696700 (VCV000696700.20), dbSNP rs146012355, ClinGen allele CA10458259.
Genomic context (GRCh38, chrX:77,684,436, plus strand): 5'-TTTGCTGCAACAACTGTTCTAAATTCTCAAATACGCTGTTACATGCAGTGACCAAGTCCA[A>G]CAAAGGCTCTGGGTGACAAATGTAGCAATACCATTGGTTGTTTTCATCCATTATTGTGGA-3'
Protein context (NP_000480.3, residues 264-284): YCYICHPEPL[Leu274=]DLVTACNSVF